The following is an entry in ClinVar:

NM_004168.4(SDHA):c.646T>C (p.Phe216Leu)

Gene: SDHA (succinate dehydrogenase complex flavoprotein subunit A; plus strand). Cytogenetic location: 5p15.33.
Variant type: single nucleotide variant.
Coding change: c.646T>C on transcript NM_004168.4 (MANE Select); coding-DNA position 646, T replaced by C.
Protein change: p.Phe216Leu; replaces phenylalanine 216 with leucine.
Molecular consequence: missense variant.
Genome position (GRCh38, 1-based): chr5:228,209, T>C. VCF-style: chr5-228209-T-C. GRCh37 (hg19) VCF-style: chr5-228324-T-C.
Other names: c.502T>C, p.Phe168Leu (NM_001294332.2); c.646T>C, p.Phe216Leu (NM_001330758.2); short protein forms F168L, F216L.
Identifiers: ClinVar variation 942690 (VCV000942690.10), dbSNP rs1735162987, ClinGen allele CA359010846.

ClinVar aggregate classification (germline): Uncertain significance (1 of 4 stars; one submission).

Conditions:
Mitochondrial complex II deficiency, nuclear type 1. Also called: SUCCINATE CoQ REDUCTASE DEFICIENCY. Identifiers: Orphanet 3208, MedGen C5700310, MONDO:0100294, OMIM 252011.
Pheochromocytoma/paraganglioma syndrome 5. Also called: Paragangliomas 5; SDHA-Related Hereditary Paraganglioma-Pheochromocytoma Syndrome. Identifiers: Orphanet 29072, MedGen C3279992, MONDO:0013602, OMIM 614165.

Submission:

Labcorp Genetics (formerly Invitae), Labcorp
Classification: Uncertain significance for Pheochromocytoma/paraganglioma syndrome 5; Mitochondrial complex II deficiency, nuclear type 1. Last evaluated: 2020-06-23. Review status: criteria provided, single submitter. Criteria: Invitae Variant Classification Sherloc (09022015). Collection method: clinical testing. Allele origin: germline.
Comment: Algorithms developed to predict the effect of missense changes on protein structure and function are either unavailable or do not agree on the potential impact of this missense change (SIFT: "Deleterious"; PolyPhen-2: "Possibly Damaging"; Align-GVGD: "Class C15"). This variant has not been reported in the literature in individuals with SDHA-related conditions. This variant is not present in population databases (ExAC no frequency). This sequence change replaces phenylalanine with leucine at codon 216 of the SDHA protein (p.Phe216Leu). The phenylalanine residue is highly conserved and there is a small physicochemical difference between phenylalanine and leucine. In summary, the available evidence is currently insufficient to determine the role of this variant in disease. Therefore, it has been classified as a Variant of Uncertain Significance.